The following is an entry in ClinVar:

ClinVar aggregate classification (germline): Uncertain significance. Review status: criteria provided, multiple submitters, no conflicts (2 of 4 stars). 3 submissions from 3 submitters: Uncertain significance (3). Last evaluated 2025-10-03.

Conditions:
Aortic aneurysm, familial thoracic 4 (AAT4). Also called: AORTIC ANEURYSM/AORTIC DISSECTION AND PATENT DUCTUS ARTERIOSUS. Identifiers: MedGen C1851504, MONDO:0007568, OMIM 132900.
Familial thoracic aortic aneurysm and aortic dissection (TAAD). Also called: Thoracic aortic aneurysms and dissections. Identifiers: Orphanet 91387, MedGen C4707243, MONDO:0019625.

Allele frequency attached by ClinVar (database versions not stated): TOPMed 0.00001.
gnomAD v4.1: 4 of 1,614,184 alleles (0.00025%); highest among the groups gnomAD compares: South Asian, 0.0011%; no homozygotes.

Submissions (3):

Color Diagnostics, LLC DBA Color Health
Classification: Uncertain significance for Familial thoracic aortic aneurysm and aortic dissection. Last evaluated: 2025-10-03. Review status: criteria provided, single submitter. Criteria: ACMG Guidelines, 2015. Collection method: clinical testing. Allele origin: germline.
Comment: This missense variant replaces methionine with threonine at codon 1697 of the MYH11 protein. Computational prediction suggests that this variant may not impact protein structure and function. To our knowledge, functional studies have not been reported for this variant. This variant has not been reported in individuals affected with MYH11-related disorders in the literature. This variant has been identified in 4/1461866 chromosomes in the general population by the Genome Aggregation Database (gnomAD). The available evidence is insufficient to determine the role of this variant in disease conclusively. Therefore, this variant is classified as a Variant of Uncertain Significance.

All of Us Research Program, National Institutes of Health
Classification: Uncertain significance for Familial thoracic aortic aneurysm and aortic dissection. Last evaluated: 2023-11-30. Review status: criteria provided, single submitter. Criteria: ACMG Guidelines, 2015. Collection method: clinical testing. Allele origin: germline. Inheritance: Autosomal dominant inheritance. Observed: 1 variant allele, 1 heterozygote.
Comment: This study involves interpretation of variants in research participants for the purpose of population health screening. Participant phenotype was not available at the time of variant classification. Additional details can be found in publication PMID: 35346344, PMCID: PMC8962531

Labcorp Genetics (formerly Invitae), Labcorp
Classification: Uncertain significance for Aortic aneurysm, familial thoracic 4. Last evaluated: 2021-01-12. Review status: criteria provided, single submitter. Criteria: Invitae Variant Classification Sherloc (09022015). Collection method: clinical testing. Allele origin: germline.
Comment: This sequence change replaces methionine with threonine at codon 1697 of the MYH11 protein (p.Met1697Thr). The methionine residue is highly conserved and there is a moderate physicochemical difference between methionine and threonine. This variant is not present in population databases (ExAC no frequency). This variant has not been reported in the literature in individuals with MYH11-related conditions. In summary, the available evidence is currently insufficient to determine the role of this variant in disease. Therefore, it has been classified as a Variant of Uncertain Significance. Algorithms developed to predict the effect of missense changes on protein structure and function are either unavailable or do not agree on the potential impact of this missense change (SIFT: "Deleterious"; PolyPhen-2: "Benign"; Align-GVGD: "Class C45").

NM_002474.3(MYH11):c.5069T>C (p.Met1690Thr)

Genes: NDE1 (nudE neurodevelopment protein 1; plus strand), MYH11 (myosin heavy chain 11; minus strand). Cytogenetic location: 16p13.11.
Variant type: single nucleotide variant.
Coding change: c.5069T>C on transcript NM_002474.3 (MANE Select); coding-DNA position 5069, T replaced by C.
Protein change: p.Met1690Thr; replaces methionine 1690 with threonine.
Molecular consequence: missense variant. On other transcripts: intron variant (2).
Genome position (GRCh38, 1-based): chr16:15,719,598, A>G on the plus strand (T>C on the coding strand, the complement: MYH11 is on the minus strand). VCF-style: chr16-15719598-A-G. GRCh37 (hg19) VCF-style: chr16-15813455-A-G.
Other names: c.5090T>C, p.Met1697Thr (NM_001040113.2, NM_001040114.2); c.5069T>C, p.Met1690Thr (NM_022844.3); c.948-4593A>G (NM_001143979.2, NM_017668.3); short protein forms M1690T, M1697T.
Identifiers: ClinVar variation 851639 (VCV000851639.10), dbSNP rs1277876461, ClinGen allele CA394851286.